The following is an entry in ClinVar:

NM_001008537.3(NEXMIF):c.1050dup (p.Lys351Ter)

Gene: NEXMIF (neurite extension and migration factor; minus strand). Cytogenetic location: Xq13.3.
Variant type: Duplication.
Coding change: c.1050dup on transcript NM_001008537.3 (MANE Select); coding-DNA position 1050, one base duplicated (T; older notation c.1050dupT).
Protein change: p.Lys351Ter; replaces lysine 351 with a stop codon.
Molecular consequence: nonsense.
Genome position (GRCh38, 1-based): chrX:74,743,507, A duplicated on the plus strand (T on the coding strand, the reverse complement: NEXMIF is on the minus strand). VCF-style (leftmost placement, unchanged base first): chrX-74743506-T-TA. GRCh37 (hg19) VCF-style: chrX-73963341-T-TA.
Other names: c.1050dupT (NM_001008537.2); short protein forms K351*.
Identifiers: ClinVar variation 956270 (VCV000956270.10), dbSNP rs2080115006, ClinGen allele CA1139667655.

ClinVar aggregate classification (germline): Pathogenic. Review status: criteria provided, multiple submitters, no conflicts (2 of 4 stars). 2 submissions from 2 submitters: Pathogenic (2). Last evaluated 2019-09-28.

Conditions:
Inborn genetic diseases. Identifiers: MedGen C0950123, MeSH D030342.

Submissions (2):

Labcorp Genetics (formerly Invitae), Labcorp
Classification: Pathogenic. Last evaluated: 2019-09-28. Review status: criteria provided, single submitter. Criteria: Invitae Variant Classification Sherloc (09022015). Collection method: clinical testing. Allele origin: germline.
Comment: This variant has not been reported in the literature in individuals with NEXMIF-related conditions. For these reasons, this variant has been classified as Pathogenic. Loss-of-function variants in NEXMIF are known to be pathogenic (PMID: 23615299). This variant is not present in population databases (ExAC no frequency). This sequence change creates a premature translational stop signal (p.Lys351*) in the NEXMIF gene. It is expected to result in an absent or disrupted protein product.

Ambry Genetics
Classification: Pathogenic for Inborn genetic diseases. Last evaluated: 2017-11-24. Review status: criteria provided, single submitter. Criteria: Ambry exome assertion method (8-5-2015). Collection method: clinical testing. Allele origin: germline. Affected: yes. Observed: 1 variant allele.

Literature cited by the submitters: PubMed 23615299 (cited by Labcorp Genetics (formerly Invitae), Labcorp).